The following is an entry in ClinVar:

ClinVar aggregate classification (germline): Conflicting classifications of pathogenicity. Review status: criteria provided, conflicting classifications (1 of 4 stars). 22 submissions from 22 submitters: Uncertain significance (2); Benign (1); Likely benign (14). 5 of the submissions do not count toward it. Last evaluated 2026-04-01.

Conditions:
TTN-related disorder. Also called: TTN-related disorders; TTN-related condition; TTN-related disease.
Cardiovascular phenotype. Identifiers: MedGen CN230736.
Dilated cardiomyopathy 1G (CMD1G). Identifiers: Orphanet 154, MedGen C1858763, MONDO:0011400, OMIM 604145.
Autosomal recessive limb-girdle muscular dystrophy type 2J (LGMDR10). Also called: Limb-girdle muscular dystrophy, type 2J; MUSCULAR DYSTROPHY, LIMB-GIRDLE, AUTOSOMAL RECESSIVE 10. Identifiers: Orphanet 140922, MedGen C1837342, MONDO:0012127, OMIM 608807.
Cardiomyopathy (CMYO). Also called: Cardiomyopathies. Identifiers: Orphanet 167848, MedGen C0878544, MONDO:0004994, HP:0001638. Inheritance: Various modes of inheritance.
Primary dilated cardiomyopathy (DCM). Also called: Dilated Cardiomyopathy. Identifiers: Orphanet 217604, MedGen C0007193, MeSH D002311, MONDO:0005021, HP:0001644. Inheritance: Various modes of inheritance.

Allele frequency attached by ClinVar (database versions not stated): 1000 Genomes Project 30x 0.00031; 1000 Genomes Project 0.00040; TOPMed 0.00063; gnomAD exomes 0.00082 and 0.00121; ExAC 0.00085; gnomAD 0.00086; ESP Exome Variant Server 0.00098.
gnomAD v4.1: 1,865 of 1,613,718 alleles (0.12%); highest among the groups gnomAD compares: Non-Finnish European, 0.15%; 4 homozygotes.

Submissions (22):

CeGaT Center for Human Genetics Tuebingen
Classification: Likely benign. Last evaluated: 2026-04-01. Review status: criteria provided, single submitter. Criteria: CeGaT Center For Human Genetics Tuebingen Variant Classification Criteria Version 2. Collection method: clinical testing. Allele origin: germline. Affected: yes. Observed: 11 variant alleles.
Comment: TTN: BP4, BS1

Women's Health and Genetics/Laboratory Corporation of America, LabCorp
Classification: Likely benign. Last evaluated: 2026-03-18. Review status: criteria provided, single submitter. Criteria: LabCorp Variant Classification Summary - May 2015. Collection method: clinical testing. Allele origin: germline.
Comment: Variant summary: TTN c.10361-2125G>A is located at a position not widely known to affect splicing. This variant corresponds to c.12748G>A, p.Val4250Met in NM_001267550. Consensus agreement among computation tools predict no significant impact on normal splicing. However, these predictions have yet to be confirmed by functional studies. The variant allele was found at a frequency of 0.00082 in 248402 control chromosomes, predominantly at a frequency of 0.0015 within the Non-Finnish European subpopulation in the gnomAD database, including 1 homozygote. The observed variant frequency within Non-Finnish European control individuals in the gnomAD database exceeds the estimated maximal expected allele frequency for disease-causing variants in TTN. The variant has been observed in individual(s) affected with Dilated Cardiomyopathy and Hypertrophic Cardiomyopathy, without strong evidence for causality (Lopes_2013, Franaszczyk_2017). These reports do not provide unequivocal conclusions about association of the variant with TTN-related conditions. To our knowledge, no experimental evidence demonstrating an impact on protein function has been reported. The following publications have been ascertained in the context of this evaluation (PMID: 28045975, 23396983). ClinVar contains an entry for this variant (Variation ID: 178257). Based on the evidence outlined above, the variant was classified as likely benign.

Labcorp Genetics (formerly Invitae), Labcorp
Classification: Likely benign for Dilated cardiomyopathy 1G; Autosomal recessive limb-girdle muscular dystrophy type 2J. Last evaluated: 2026-02-03. Review status: criteria provided, single submitter. Criteria: Invitae Variant Classification Sherloc (09022015). Collection method: clinical testing. Allele origin: germline.

Athena Diagnostics
Classification: Likely benign. Last evaluated: 2025-07-17. Review status: criteria provided, single submitter. Criteria: Athena Diagnostics Criteria. Collection method: clinical testing. Allele origin: unknown.
Comment: The frequency of this variant in the general population is higher than would generally be expected for pathogenic variants in this gene. Computational tools predict this amino acid change may be benign.

Molecular Diagnostic Laboratory for Inherited Cardiovascular Disease, Montreal Heart Institute
Classification: Likely benign. Last evaluated: 2025-04-09. Review status: criteria provided, single submitter. Criteria: ACMG Guidelines, 2015. Collection method: clinical testing. Allele origin: germline. Affected: no.

Mayo Clinic Laboratories, Mayo Clinic
Classification: Likely benign. Last evaluated: 2025-03-31. Review status: criteria provided, single submitter. Criteria: ACMG Guidelines, 2015. Collection method: clinical testing. Allele origin: germline. Observed: 6 variant alleles.
Comment: BS1, BP4_moderate

PreventionGenetics, part of Exact Sciences
Classification: Likely benign for TTN-related condition. Last evaluated: 2025-03-13. Review status: criteria provided, single submitter. Criteria: ACMG Guidelines, 2015. Collection method: clinical testing. Allele origin: germline.
Comment: This variant is classified as likely benign based on ACMG/AMP sequence variant interpretation guidelines (Richards et al. 2015 PMID: 25741868, with internal and published modifications).

ARUP Laboratories, Molecular Genetics and Genomics, ARUP Laboratories
Classification: Uncertain significance. Last evaluated: 2025-02-25. Review status: criteria provided, single submitter. Criteria: ARUP Molecular Germline Variant Investigation Process 2024. Collection method: clinical testing. Allele origin: germline.
Comment: The TTN c.12748G>A; p.Val4250Met variant (rs201437752; ClinVar Variation ID: 178257) is rare in the general population (<0.2% allele frequency in the Genome Aggregation Database) and has not been reported in the medical literature in association with dilated cardiomyopathy (DCM) or other TTN-related disease. The clinical relevance of rare missense variants in this gene, which are identified on average once per individual sequenced in affected populations (Herman 2012), is not well understood. Yet, evidence suggests that the vast majority of such missense variants do not contribute to the clinical outcome of DCM (Begay 2015). Thus, the clinical significance of the p.Val4250Met variant cannot be determined with certainty. References: Begay RL et al. Role of Titin Missense Variants in Dilated Cardiomyopathy. J Am Heart Assoc. 2015 Nov 13;4(11). PMID: 26567375. Herman DS et al. Truncations of titin causing dilated cardiomyopathy. N Engl J Med. 2012 Feb 16;366(7):619-28. PMID: 22335739.

Laboratory of Genetics, Children's Clinical University Hospital Latvia
Classification: Likely benign. Last evaluated: 2025-02-16. Review status: criteria provided, single submitter. Criteria: ACMG Guidelines, 2015. Collection method: clinical testing. Allele origin: germline. Affected: yes.

Blueprint Genetics
Classification: Likely benign. Last evaluated: 2024-10-09. Review status: criteria provided, single submitter. Criteria: ACMG Guidelines, 2015. Collection method: clinical testing. Allele origin: germline.

GeneDx
Classification: Likely benign. Last evaluated: 2021-02-26. Review status: criteria provided, single submitter. Criteria: GeneDx Variant Classification Process June 2021. Collection method: clinical testing. Allele origin: germline. Affected: yes.

CHEO Genetics Diagnostic Laboratory, Children's Hospital of Eastern Ontario
Classification: Benign for Cardiomyopathy. Last evaluated: 2020-07-02. Review status: criteria provided, single submitter. Criteria: ACMG Guidelines, 2015. Collection method: clinical testing. Allele origin: germline.

Center for Advanced Laboratory Medicine, UC San Diego Health, University of California San Diego
Classification: Likely benign for Dilated cardiomyopathy; Cardiomyopathy. Last evaluated: 2019-05-14. Review status: criteria provided, single submitter. Criteria: ACMG Guidelines, 2015. Collection method: clinical testing. Allele origin: germline. Affected: yes. Observed: 4 variant alleles.

Ambry Genetics
Classification: Likely benign for Cardiovascular phenotype. Last evaluated: 2018-08-23. Review status: criteria provided, single submitter. Criteria: Ambry Variant Classification Scheme 2023. Collection method: clinical testing. Allele origin: germline.

Eurofins Ntd Llc (ga)
Classification: Uncertain significance. Last evaluated: 2018-06-01. Review status: criteria provided, single submitter. Criteria: EGL ClinVar v180209 classification definitions. Collection method: clinical testing. Allele origin: germline. Observed: 14 variant alleles, 14 heterozygotes.

Laboratory for Molecular Medicine, Mass General Brigham Personalized Medicine
Classification: Likely benign. Last evaluated: 2015-05-21. Review status: criteria provided, single submitter. Criteria: LMM Criteria. Collection method: clinical testing. Allele origin: germline. Observed: 2 variant alleles.
Comment: p.Val4012Met in exon 45B in TTN: This variant is not expected to have clinical s ignificance due to a lack of conservation across species, including mammals. Of note, 5 mammals (bushbaby, squirrel, hedgehog, aardvark, and Tasmanian devil) ha ve a methionine (Met) at this position despite amino acid conservation at nearby positions. It has been identified in 0.1% (93/66496) of European chromosomes, i ncluding 1 homozygote, by the Exome Aggregation Consortium (ExAC; dbSNP rs201437752).

Biesecker Lab/Clinical Genomics Section, National Institutes of Health
Classification: Likely benign. Last evaluated: 2013-06-24. Review status: criteria provided, single submitter. Criteria: Ng et al. (Circ Cardiovasc Genet. 2013). Collection method: research. Allele origin: unknown. Observed: 1 variant allele. Study: ClinSeq.
Comment: The study set was not selected for affection status in relation to any cancer. Pathogenicity categories were based on literature curation. See Pubmed ID:23861362 for details.

Medical sequencing

Clinical Genetics DNA and cytogenetics Diagnostics Lab, Erasmus MC, Erasmus Medical Center
Classification: Likely benign. Review status: no assertion criteria provided. Collection method: clinical testing. Allele origin: germline. Affected: yes. Study: VKGL Data-share Consensus. Not counted in ClinVar's aggregate classification.

Clinical Genetics, Academic Medical Center
Classification: Benign. Review status: no assertion criteria provided. Collection method: clinical testing. Allele origin: germline. Affected: yes. Study: VKGL Data-share Consensus. Not counted in ClinVar's aggregate classification.

Diagnostic Laboratory, Department of Genetics, University Medical Center Groningen
Classification: Likely benign. Review status: no assertion criteria provided. Collection method: clinical testing. Allele origin: germline. Affected: yes. Study: VKGL Data-share Consensus. Not counted in ClinVar's aggregate classification.

Genome Diagnostics Laboratory, University Medical Center Utrecht
Classification: Likely benign. Review status: no assertion criteria provided. Collection method: clinical testing. Allele origin: germline. Affected: yes. Study: VKGL Data-share Consensus. Not counted in ClinVar's aggregate classification.

Joint Genome Diagnostic Labs from Nijmegen and Maastricht, Radboudumc and MUMC+
Classification: Benign. Review status: no assertion criteria provided. Collection method: clinical testing. Allele origin: germline. Affected: yes. Study: VKGL Data-share Consensus. Not counted in ClinVar's aggregate classification.

Literature cited by the submitters: PubMed 23396983 (cited by Women's Health and Genetics/Laboratory Corporation of America, LabCorp); PubMed 28045975 (cited by Women's Health and Genetics/Laboratory Corporation of America, LabCorp and Athena Diagnostics); PubMed 29970176 (cited by Athena Diagnostics); PubMed 39838281 (cited by Athena Diagnostics).

NM_001267550.2(TTN):c.12748G>A (p.Val4250Met)

Gene: TTN (titin; minus strand). Cytogenetic location: 2q31.2.
Variant type: single nucleotide variant.
Coding change: c.12748G>A on transcript NM_001267550.2 (MANE Select); coding-DNA position 12748, G replaced by A.
Protein change: p.Val4250Met; replaces valine 4250 with methionine.
Molecular consequence: missense variant. On other transcripts: intron variant (1).
Genome position (GRCh38, 1-based): chr2:178,740,485, C>T on the plus strand (G>A on the coding strand, the complement: TTN is on the minus strand). VCF-style: chr2-178740485-C-T. GRCh37 (hg19) VCF-style: chr2-179605212-C-T.
Other names: p.V3933M:GTG>ATG; p.Val3933Met; c.12748G>A (NM_001267550.1); c.11797G>A, p.Val3933Met (NM_001256850.1); c.11659G>A, p.Val3887Met (NM_003319.4); c.12034G>A, p.Val4012Met (NM_133432.3); c.12235G>A, p.Val4079Met (NM_133437.4); c.10361-2125G>A (NM_133378.4); short protein forms V4012M, V4250M, V3933M, V3887M, V4079M.
Identifiers: ClinVar variation 178257 (VCV000178257.90), dbSNP rs201437752, ClinGen allele CA181936.
Genomic context (GRCh38, chr2:178,740,485, plus strand): 5'-CCTCAGCTAAGCTCTGACTCAAGATGAGCGCACTTTGTGCCTCTTGCTTTTGAAGAGTCA[C>T]TCTTTGCTCTCTGTTGGTGTCAGATACTGTCTTTTCTTTTGGTGAAAGTACTTCCTCAGC-3'
Protein context (NP_001254479.2, residues 4240-4260): TVSDTNREQR[Val4250Met]TLQKQEAQSA